The following is an entry in ClinVar:

NM_001145304.2(IQCN):c.3030G>A (p.Arg1010=)

Gene: IQCN (IQ motif containing N; minus strand). Cytogenetic location: 19p13.11.
Variant type: single nucleotide variant.
Coding change: c.3030G>A on transcript NM_001145304.2 (MANE Select); coding-DNA position 3030, G replaced by A.
Protein change: p.Arg1010=; no amino-acid change (arginine 1010 retained).
Molecular consequence: synonymous variant. On other transcripts: intron variant (2).
Genome position (GRCh38, 1-based): chr19:18,264,510, C>T on the plus strand (G>A on the coding strand, the complement: IQCN is on the minus strand). VCF-style: chr19-18264510-C-T. GRCh37 (hg19) VCF-style: chr19-18375320-C-T.
Other names: c.2616+414G>A (NM_025249.4); c.2478+414G>A (NM_001145305.2).
Identifiers: ClinVar variation 2649577 (VCV002649577.24), dbSNP rs754798274, ClinGen allele CA9309156.

ClinVar aggregate classification (germline): Likely benign (1 of 4 stars; one submission).

Allele frequency attached by ClinVar (database versions not stated): gnomAD 0.00001; gnomAD exomes 0.00001; TOPMed 0.00001; ExAC 0.00005.
gnomAD v4.1: 22 of 1,551,366 alleles (0.0014%); highest among the groups gnomAD compares: Non-Finnish European, 0.0019%; no homozygotes.

Submission:

CeGaT Center for Human Genetics Tuebingen
Classification: Likely benign. Last evaluated: 2022-07-01. Review status: criteria provided, single submitter. Criteria: CeGaT Center For Human Genetics Tuebingen Variant Classification Criteria Version 2. Collection method: clinical testing. Allele origin: germline. Affected: yes. Observed: 1 variant allele.
Comment: IQCN: BP4, BP7